The following is an entry in ClinVar:

NM_024408.4(NOTCH2):c.3625T>G (p.Phe1209Val)

Gene: NOTCH2 (notch receptor 2; minus strand). Cytogenetic location: 1p12.
Variant type: single nucleotide variant.
Coding change: c.3625T>G on transcript NM_024408.4 (MANE Select); coding-DNA position 3625, T replaced by G.
Protein change: p.Phe1209Val; replaces phenylalanine 1209 with valine.
Molecular consequence: missense variant.
Genome position (GRCh38, 1-based): chr1:119,935,502, A>C on the plus strand (T>G on the coding strand, the complement: NOTCH2 is on the minus strand). VCF-style: chr1-119935502-A-C. GRCh37 (hg19) VCF-style: chr1-120478125-A-C.
Other names: p.Phe1209Val; c.3625T>G, p.Phe1209Val (NM_001200001.2); short protein forms F1209V.
Identifiers: ClinVar variation 134967 (VCV000134967.43), dbSNP rs147223770, ClinGen allele CA161261.

ClinVar aggregate classification (germline): Benign/Likely benign. Review status: criteria provided, multiple submitters, no conflicts (2 of 4 stars). 11 submissions from 11 submitters: Benign (4); Likely benign (3). 4 of the submissions do not count toward it. Last evaluated 2026-07-01.

Conditions:
Hajdu-Cheney syndrome (HJCYS). Also called: ACROOSTEOLYSIS WITH OSTEOPOROSIS AND CHANGES IN SKULL AND MANDIBLE; Acroosteolysis dominant type; SERPENTINE FIBULA-POLYCYSTIC KIDNEY SYNDROME. Identifiers: Orphanet 955, MedGen C0917715, MONDO:0007057, OMIM 102500.

Allele frequency attached by ClinVar (database versions not stated): 1000 Genomes Project 30x 0.00125; 1000 Genomes Project 0.00160; ESP Exome Variant Server 0.00208; TOPMed 0.00209; gnomAD 0.00254 and 0.00258; gnomAD exomes 0.00313 and 0.00325; ExAC 0.00332.
gnomAD v4.1: 5,009 of 1,614,210 alleles (0.31%); highest among the groups gnomAD compares: Middle Eastern, 1.1%; 22 homozygotes.

Submissions (11):

CeGaT Center for Human Genetics Tuebingen
Classification: Likely benign. Last evaluated: 2026-07-01. Review status: criteria provided, single submitter. Criteria: CeGaT Center For Human Genetics Tuebingen Variant Classification Criteria Version 2. Collection method: clinical testing. Allele origin: germline. Affected: yes. Observed: 11 variant alleles.
Comment: NOTCH2: BS2

Labcorp Genetics (formerly Invitae), Labcorp
Classification: Benign for Hajdu-Cheney syndrome. Last evaluated: 2026-02-01. Review status: criteria provided, single submitter. Criteria: Invitae Variant Classification Sherloc (09022015). Collection method: clinical testing. Allele origin: germline.

Mayo Clinic Laboratories, Mayo Clinic
Classification: Benign. Last evaluated: 2025-06-02. Review status: criteria provided, single submitter. Criteria: ACMG Guidelines, 2015. Collection method: clinical testing. Allele origin: germline. Observed: 8 variant alleles.
Comment: BA1, PP3_moderate

GeneDx
Classification: Benign. Last evaluated: 2021-01-15. Review status: criteria provided, single submitter. Criteria: GeneDx Variant Classification Process June 2021. Collection method: clinical testing. Allele origin: germline. Affected: yes.
Comment: This variant is associated with the following publications: (PMID: 26485759, 24366360, 32467344, 29642553, 29868112, 25587027, 22662265, 30653986, 26094658, 26553438, 24728327)

Center for Pediatric Genomic Medicine, Children's Mercy Hospital and Clinics
Classification: Likely benign. Last evaluated: 2017-09-06. Review status: criteria provided, single submitter. Criteria: ACMG Guidelines, 2015. Collection method: clinical testing. Allele origin: germline.

Eurofins Ntd Llc (ga)
Classification: Benign. Last evaluated: 2015-06-15. Review status: criteria provided, single submitter. Criteria: EGL Classification Definitions 2015. Collection method: clinical testing. Allele origin: germline. Observed: 1 variant allele, 1 heterozygote.

Breakthrough Genomics
Classification: Likely benign. Review status: criteria provided, single submitter. Criteria: ACMG Guidelines, 2015. Collection method: not provided. Allele origin: germline. Inheritance: Autosomal dominant inheritance. Affected: yes.

ITMI
No classification provided. Condition: AllHighlyPenetrant. Last evaluated: 2013-09-19. Review status: no classification provided. Collection method: reference population. Allele origin: germline. Not counted in ClinVar's aggregate classification.
Comment: Please see associated publication for description of ethnicities

Clinical Genetics DNA and cytogenetics Diagnostics Lab, Erasmus MC, Erasmus Medical Center
Classification: Likely benign. Review status: no assertion criteria provided. Collection method: clinical testing. Allele origin: germline. Affected: yes. Study: VKGL Data-share Consensus. Not counted in ClinVar's aggregate classification.

Genome Diagnostics Laboratory, University Medical Center Utrecht
Classification: Likely benign. Review status: no assertion criteria provided. Collection method: clinical testing. Allele origin: germline. Affected: yes. Study: VKGL Data-share Consensus. Not counted in ClinVar's aggregate classification.

Laboratory of Diagnostic Genome Analysis, Leiden University Medical Center (LUMC)
Classification: Likely benign. Review status: no assertion criteria provided. Collection method: clinical testing. Allele origin: germline. Affected: yes. Study: VKGL Data-share Consensus. Not counted in ClinVar's aggregate classification.

Literature cited by the submitters: PubMed 24728327 (cited by ITMI).